The following is an entry in ClinVar:

ClinVar aggregate classification (germline): Uncertain significance. Review status: criteria provided, multiple submitters, no conflicts (2 of 4 stars). 2 submissions from 2 submitters: Uncertain significance (2). Last evaluated 2024-12-23.

Conditions:
Inborn genetic diseases. Identifiers: MedGen C0950123, MeSH D030342.

Allele frequency attached by ClinVar (database versions not stated): gnomAD 0.00001; TOPMed 0.00001.
gnomAD v4.1: 1 of 1,613,744 alleles (0.000062%); highest among the groups gnomAD compares: Admixed American, 0.0017%; no homozygotes.

Submissions (2):

Ambry Genetics
Classification: Uncertain significance for Inborn genetic diseases. Last evaluated: 2024-12-23. Review status: criteria provided, single submitter. Criteria: Ambry Variant Classification Scheme 2023. Collection method: clinical testing. Allele origin: germline.

GeneDx
Classification: Uncertain significance. Last evaluated: 2024-03-19. Review status: criteria provided, single submitter. Criteria: GeneDx Variant Classification Process June 2021. Collection method: clinical testing. Allele origin: germline. Affected: yes.
Comment: Not observed at significant frequency in large population cohorts (gnomAD); In silico analysis supports that this missense variant has a deleterious effect on protein structure/function; Has not been previously published as pathogenic or benign to our knowledge

NM_033305.3(VPS13A):c.3578C>T (p.Ala1193Val)

Gene: VPS13A (vacuolar protein sorting 13 homolog A; plus strand). Cytogenetic location: 9q21.2.
Variant type: single nucleotide variant.
Coding change: c.3578C>T on transcript NM_033305.3 (MANE Select); coding-DNA position 3578, C replaced by T.
Protein change: p.Ala1193Val; replaces alanine 1193 with valine.
Molecular consequence: missense variant.
Genome position (GRCh38, 1-based): chr9:77,295,612, C>T. VCF-style: chr9-77295612-C-T. GRCh37 (hg19) VCF-style: chr9-79910528-C-T.
Other names: c.3461C>T, p.Ala1154Val (NM_001018037.2); c.3578C>T, p.Ala1193Val (NM_001018038.3, NM_015186.4); short protein forms A1154V, A1193V.
Identifiers: ClinVar variation 2575864 (VCV002575864.3), dbSNP rs1460578030, ClinGen allele CA373849749.